The following is an entry in ClinVar:

ClinVar aggregate classification (germline): Uncertain significance. Review status: criteria provided, multiple submitters, no conflicts (2 of 4 stars). 2 submissions from 2 submitters: Uncertain significance (2). Last evaluated 2026-04-14.

Conditions:
Familial intrahepatic cholestasis. Identifiers: Orphanet 284385, MedGen CN296401, MONDO:0017290.
Progressive familial intrahepatic cholestasis type 2. Identifiers: Orphanet 79304, MedGen C3489789, MONDO:0011156, OMIM 601847.

gnomAD v4.1: 1 of 1,613,936 alleles (0.000062%); highest among the groups gnomAD compares: Non-Finnish European, 0.000085%; no homozygotes.

Submissions (2):

Genomenon, Inc
Classification: Uncertain significance for Familial intrahepatic cholestasis. Last evaluated: 2026-04-14. Review status: criteria provided, single submitter. Criteria: Genomenon Sequence Variant Interpretation Standards - Updated. Collection method: curation. Allele origin: germline. Affected: yes.
Comment: ABCB11 p.Gly1003Arg (c.3007G>A) is a missense variant that changes the amino acid at residue 1003 from Glycine to Arginine. This variant has been observed in at least one proband with an ABCB11-related disorder (PMID:27239116). It is absent or not present at a significant frequency in gnomAD. In silico models predict that this variant is possibly or probably damaging. In conclusion, we classify ABCB11 p.Gly1003Arg (c.3007G>A) as a variant of uncertain significance.

Broad Center for Mendelian Genomics, Broad Institute of MIT and Harvard
Classification: Uncertain significance for Progressive familial intrahepatic cholestasis type 2. Last evaluated: 2025-01-23. Review status: criteria provided, single submitter. Criteria: ACMG Guidelines, 2015. Collection method: curation. Allele origin: germline. Inheritance: Autosomal recessive inheritance.
Comment: The p.Gly1003Arg variant in ABCB11 has been reported in 1 individual with BSEP deficiency (PMID: 27239116), and has been identified in 0.00008% (1/1179886) of European (non-Finnish) chromosomes by the Genome Aggregation Database (gnomAD). Although this variant has been seen in the general population in a heterozygous state, its frequency is low enough to be consistent with a recessive carrier frequency. Computational prediction tools and conservation analyses suggest that this variant may impact the protein, though this information is not predictive enough to determine pathogenicity. In summary, the clinical significance of the p.Gly1003Arg variant is uncertain. ACMG/AMP Criteria applied: PP3_moderate, PM2_supporting (Richards 2015).

Literature cited by the submitters: PubMed 27239116 (cited by Genomenon, Inc).

NM_003742.4(ABCB11):c.3007G>A (p.Gly1003Arg)

Gene: ABCB11 (ATP binding cassette subfamily B member 11; minus strand). Cytogenetic location: 2q31.1.
Variant type: single nucleotide variant.
Coding change: c.3007G>A on transcript NM_003742.4 (MANE Select); coding-DNA position 3007, G replaced by A.
Protein change: p.Gly1003Arg; replaces glycine 1003 with arginine.
Molecular consequence: missense variant.
Genome position (GRCh38, 1-based): chr2:168,935,233, C>T on the plus strand (G>A on the coding strand, the complement: ABCB11 is on the minus strand). VCF-style: chr2-168935233-C-T. GRCh37 (hg19) VCF-style: chr2-169791743-C-T.
Other names: NM_003742.4:c.3007G>A; short protein forms G1003R.
Identifiers: ClinVar variation 3776842 (VCV003776842.2).